The following is an entry in ClinVar:

ClinVar aggregate classification (germline): Pathogenic (1 of 4 stars; one submission).

Conditions:
Baller-Gerold syndrome (BGS). Also called: CRANIOSYNOSTOSIS WITH RADIAL DEFECTS. Identifiers: Orphanet 1225, MedGen C0265308, MONDO:0009039, OMIM 218600.

Submission:

Labcorp Genetics (formerly Invitae), Labcorp
Classification: Pathogenic for Baller-Gerold syndrome. Last evaluated: 2022-03-15. Review status: criteria provided, single submitter. Criteria: Invitae Variant Classification Sherloc (09022015). Collection method: clinical testing. Allele origin: germline.
Comment: For these reasons, this variant has been classified as Pathogenic. This variant has not been reported in the literature in individuals affected with RECQL4-related conditions. This variant is not present in population databases (gnomAD no frequency). This sequence change creates a premature translational stop signal (p.Val802Thrfs*45) in the RECQL4 gene. It is expected to result in an absent or disrupted protein product. Loss-of-function variants in RECQL4 are known to be pathogenic (PMID: 12734318, 12952869).

Literature cited by the submitters: PubMed 12734318; PubMed 12952869.

NM_004260.4(RECQL4):c.2392_2402dup (p.Val802fs)

Gene: RECQL4 (RecQ like helicase 4; minus strand). Cytogenetic location: 8q24.3.
Variant type: Duplication.
Coding change: c.2392_2402dup on transcript NM_004260.4 (MANE Select); coding-DNA positions 2392 to 2402, 11 bases duplicated (TACGTGCAGGC).
Protein change: p.Val802fs; shifts the reading frame from valine 802.
Molecular consequence: frameshift variant.
Genome position (GRCh38, 1-based): chr8:144,513,279-144,513,289, GCCTGCACGTA duplicated on the plus strand (TACGTGCAGGC on the coding strand, the reverse complement: RECQL4 is on the minus strand); duplicating any 11 consecutive bases within chr8:144,513,279-144,513,291 gives the same sequence; the c. name uses the placement nearest the transcript's 3' end. VCF-style (leftmost placement, unchanged base first): chr8-144513278-G-GGCCTGCACGTA. GRCh37 (hg19) VCF-style: chr8-145738661-G-GGCCTGCACGTA.
Other names: c.2390_2400dup, p.Val802Thrfs (NM_001413019.1, NM_001413036.1); c.2294_2304dup, p.Val770Thrfs (NM_001413020.1); c.1319_1329dup, p.Val445Thrfs (NM_001413021.1, NM_001413022.1, NM_001413023.1 and 5 more transcripts); c.2261_2271dup, p.Val759Thrfs (NM_001413025.1); c.1253_1263dup, p.Val423Thrfs (NM_001413027.1, NM_001413030.1, NM_001413032.1 and 1 more transcripts); c.2039_2049dup, p.Val685Thrfs (NM_001413029.1); c.1121_1131dup, p.Val379Thrfs (NM_001413031.1); c.2258_2268dup, p.Val758Thrfs (NM_001413033.1); and 4 more; short protein forms V802fs.
Identifiers: ClinVar variation 2112818 (VCV002112818.4), dbSNP rs2538008707, ClinGen allele CA2580078723.
Genomic context (GRCh38, chr8:144,513,278, plus strand): 5'-CTGGGGCTGCAGGAAGAGGTGGCAGTGGGCAGGCTGCCCGTCACGCCCGGCCCGGCCCAC[G>GGCCTGCACGTA]GCCTGCACGTAGCTCTCGAAGCTTGGGGGCAGCCCCAGATGCAGCACAGCCCGCACATCT-3'